The following is an entry in ClinVar:

ClinVar aggregate classification (germline): Uncertain significance (1 of 4 stars; one submission).

Conditions:
Early-infantile DEE. Also called: Early infantile epileptic encephalopathy with suppression bursts; Early infantile epileptic encephalopathy; Ohtahara syndrome. Identifiers: Orphanet 1934, MedGen C0393706, MONDO:0800491.

Allele frequency attached by ClinVar (database versions not stated): ExAC 0.00009.

Submission:

Labcorp Genetics (formerly Invitae), Labcorp
Classification: Uncertain significance for Early-infantile DEE. Last evaluated: 2023-05-25. Review status: criteria provided, single submitter. Criteria: Invitae Variant Classification Sherloc (09022015). Collection method: clinical testing. Allele origin: germline.
Comment: In summary, the available evidence is currently insufficient to determine the role of this variant in disease. Therefore, it has been classified as a Variant of Uncertain Significance. This variant disrupts the p.Thr363 amino acid residue in SCN1A. Other variant(s) that disrupt this residue have been determined to be pathogenic (PMID: 21248271, 23195492, 24679980). This suggests that this residue is clinically significant, and that variants that disrupt this residue are likely to be disease-causing. Advanced modeling of protein sequence and biophysical properties (such as structural, functional, and spatial information, amino acid conservation, physicochemical variation, residue mobility, and thermodynamic stability) performed at Invitae indicates that this missense variant is expected to disrupt SCN1A protein function. This variant has not been reported in the literature in individuals affected with SCN1A-related conditions. The frequency data for this variant in the population databases is considered unreliable, as metrics indicate poor data quality at this position in the gnomAD database. This sequence change replaces threonine, which is neutral and polar, with lysine, which is basic and polar, at codon 363 of the SCN1A protein (p.Thr363Lys).

Literature cited by the submitters: PubMed 21248271; PubMed 23195492; PubMed 24679980.

NM_001165963.4(SCN1A):c.1088C>A (p.Thr363Lys)

Gene: SCN1A (sodium voltage-gated channel alpha subunit 1; minus strand). Cytogenetic location: 2q24.3.
Variant type: single nucleotide variant.
Coding change: c.1088C>A on transcript NM_001165963.4 (MANE Select); coding-DNA position 1088, C replaced by A.
Protein change: p.Thr363Lys; replaces threonine 363 with lysine.
Molecular consequence: missense variant. On other transcripts: 5 prime UTR variant (1), non-coding transcript variant (1).
Genome position (GRCh38, 1-based): chr2:166,047,709, G>T on the plus strand (C>A on the coding strand, the complement: SCN1A is on the minus strand). VCF-style: chr2-166047709-G-T. GRCh37 (hg19) VCF-style: chr2-166904219-G-T.
Other names: c.1088C>A, p.Thr363Lys (NM_001353948.2, NM_001353949.2, NM_001353950.2 and 10 more transcripts); c.-1338C>A (NM_001353961.2); short protein forms T363K.
Identifiers: ClinVar variation 2716956 (VCV002716956.3), dbSNP rs756201239, ClinGen allele CA1943367.